The following is an entry in ClinVar:

ClinVar aggregate classification (germline): Uncertain significance. Review status: criteria provided, single submitter (1 of 4 stars). 2 submissions from 2 submitters: Uncertain significance (1). 1 of the submissions does not count toward it. Last evaluated 2021-08-30.

Conditions:
PLXNA3-related disorder. Also called: PLXNA3-related condition.

Allele frequency attached by ClinVar (database versions not stated): ExAC 0.00023; 1000 Genomes Project 0.00026; 1000 Genomes Project 30x 0.00042; ESP Exome Variant Server 0.00048; gnomAD 0.00063.

Submissions (2):

Ambry Genetics
Classification: Uncertain significance. Last evaluated: 2021-08-30. Review status: criteria provided, single submitter. Criteria: Ambry Variant Classification Scheme 2023. Collection method: clinical testing. Allele origin: germline.

PreventionGenetics, part of Exact Sciences
Classification: Likely benign for PLXNA3-related condition. Last evaluated: 2022-01-05. Review status: no assertion criteria provided. Collection method: clinical testing. Allele origin: germline. Not counted in ClinVar's aggregate classification.
Comment: This variant is classified as likely benign based on ACMG/AMP sequence variant interpretation guidelines (Richards et al. 2015 PMID: 25741868, with internal and published modifications).

NM_017514.5(PLXNA3):c.341G>C (p.Ser114Thr)

Gene: PLXNA3 (plexin A3; plus strand). Cytogenetic location: Xq28.
Variant type: single nucleotide variant.
Coding change: c.341G>C on transcript NM_017514.5 (MANE Select); coding-DNA position 341, G replaced by C.
Protein change: p.Ser114Thr; replaces serine 114 with threonine.
Molecular consequence: missense variant.
Genome position (GRCh38, 1-based): chrX:154,460,524, G>C. VCF-style: chrX-154460524-G-C. GRCh37 (hg19) VCF-style: chrX-153688864-G-C.
Other names: short protein forms S114T.
Identifiers: ClinVar variation 2359122 (VCV002359122.4), dbSNP rs145231103, ClinGen allele CA10563666.